The following is an entry in ClinVar:

NM_001177693.2(ARHGEF28):c.3089C>G (p.Ala1030Gly)

Gene: ARHGEF28 (Rho guanine nucleotide exchange factor 28; plus strand). Cytogenetic location: 5q13.2.
Variant type: single nucleotide variant.
Coding change: c.3089C>G on transcript NM_001177693.2 (MANE Select); coding-DNA position 3089, C replaced by G.
Protein change: p.Ala1030Gly; replaces alanine 1030 with glycine.
Molecular consequence: missense variant.
Genome position (GRCh38, 1-based): chr5:73,885,883, C>G. VCF-style: chr5-73885883-C-G. GRCh37 (hg19) VCF-style: chr5-73181708-C-G.
Other names: c.3089C>G, p.Ala1030Gly (NM_001080479.3, NM_001388078.1); c.2150C>G, p.Ala717Gly (NM_001244364.2); c.2795C>G, p.Ala932Gly (NM_001388076.1); short protein forms A1030G, A717G, A932G.
Identifiers: ClinVar variation 2636007 (VCV002636007.1), dbSNP rs369597044, ClinGen allele CA3305001.

ClinVar aggregate classification (germline): Uncertain significance (1 of 4 stars; one submission).

Conditions:
ARHGEF28-related disorder. Also called: ARHGEF28-related condition.

gnomAD v4.1: 206 of 1,613,204 alleles (0.013%); highest among the groups gnomAD compares: Middle Eastern, 0.05%; 2 homozygotes.

Submission:

PreventionGenetics, part of Exact Sciences
Classification: Uncertain significance for ARHGEF28-related condition. Last evaluated: 2022-08-30. Review status: criteria provided, single submitter. Criteria: ACMG Guidelines, 2015. Collection method: clinical testing. Allele origin: germline.
Comment: The ARHGEF28 c.3089C>G variant is predicted to result in the amino acid substitution p.Ala1030Gly. To our knowledge, this variant has not been reported in the literature. Another variant affecting the same amino acid (c.3089C>T (p.Ala1030Val) has been reported as a variant of uncertain significance in a patient with ALS (Pang et al. 2017. PubMed ID: 28709720). The p.Ala1030Gly variant is reported in 0.053% of alleles in individuals of South Asian descent in gnomAD. Although we suspect that this variant may be benign, at this time, the clinical significance of this variant is uncertain due to the absence of conclusive functional and genetic evidence.